The following is an entry in ClinVar:

NM_003905.4(NAE1):c.339A>G (p.Leu113=)

Gene: NAE1 (NEDD8 activating enzyme E1 subunit 1; minus strand). Cytogenetic location: 16q22.1.
Variant type: single nucleotide variant.
Coding change: c.339A>G on transcript NM_003905.4 (MANE Select); coding-DNA position 339, A replaced by G.
Protein change: p.Leu113=; no amino-acid change (leucine 113 retained).
Molecular consequence: synonymous variant.
Genome position (GRCh38, 1-based): chr16:66,823,289, T>C on the plus strand (A>G on the coding strand, the complement: NAE1 is on the minus strand). VCF-style: chr16-66823289-T-C. GRCh37 (hg19) VCF-style: chr16-66857192-T-C.
Other names: c.321A>G, p.Leu107= (NM_001018159.2); c.72A>G, p.Leu24= (NM_001018160.2); c.348A>G, p.Leu116= (NM_001286500.2).
Identifiers: ClinVar variation 4823018 (VCV004823018.4).

ClinVar aggregate classification (germline): Likely benign (1 of 4 stars; one submission).

gnomAD v4.1: 3 of 1,602,550 alleles (0.00019%); highest among the groups gnomAD compares: Admixed American, 0.0035%; no homozygotes.

Submission:

CeGaT Center for Human Genetics Tuebingen
Classification: Likely benign. Last evaluated: 2026-01-01. Review status: criteria provided, single submitter. Criteria: CeGaT Center For Human Genetics Tuebingen Variant Classification Criteria Version 2. Collection method: clinical testing. Allele origin: germline. Affected: yes. Observed: 1 variant allele.
Comment: NAE1: BP4, BP7